The following is an entry in ClinVar:

NM_000260.4(MYO7A):c.4674G>A (p.Trp1558Ter)

Gene: MYO7A (myosin VIIA; plus strand). Cytogenetic location: 11q13.5.
Variant type: single nucleotide variant.
Coding change: c.4674G>A on transcript NM_000260.4 (MANE Select); coding-DNA position 4674, G replaced by A.
Protein change: p.Trp1558Ter; replaces tryptophan 1558 with a stop codon.
Molecular consequence: nonsense. On other transcripts: intron variant (2).
Genome position (GRCh38, 1-based): chr11:77,199,640, G>A. VCF-style: chr11-77199640-G-A. GRCh37 (hg19) VCF-style: chr11-76910685-G-A.
Other names: c.4536-9G>A (NM_001369365.1); c.4569-9G>A (NM_001127180.2); short protein forms W1558*.
Identifiers: ClinVar variation 1076809 (VCV001076809.8), dbSNP rs2135680215, ClinGen allele CA381950697.

ClinVar aggregate classification (germline): Pathogenic (1 of 4 stars; one submission).

Submission:

Labcorp Genetics (formerly Invitae), Labcorp
Classification: Pathogenic. Last evaluated: 2023-09-21. Review status: criteria provided, single submitter. Criteria: Invitae Variant Classification Sherloc (09022015). Collection method: clinical testing. Allele origin: germline.
Comment: This variant is not present in population databases (gnomAD no frequency). For these reasons, this variant has been classified as Pathogenic. ClinVar contains an entry for this variant (Variation ID: 1076809). This variant has not been reported in the literature in individuals affected with MYO7A-related conditions. This sequence change creates a premature translational stop signal (p.Trp1558*) in the MYO7A gene. It is expected to result in an absent or disrupted protein product. Loss-of-function variants in MYO7A are known to be pathogenic (PMID: 8900236, 25404053).

Literature cited by the submitters: PubMed 8900236; PubMed 25404053.